The following is an entry in ClinVar:

NM_020207.7(ERCC6L2):c.1043G>C (p.Arg348Thr)

Gene: ERCC6L2 (ERCC excision repair 6 like 2; plus strand). Cytogenetic location: 9q22.32.
Variant type: single nucleotide variant.
Coding change: c.1043G>C on transcript NM_020207.7 (MANE Select); coding-DNA position 1043, G replaced by C.
Protein change: p.Arg348Thr; replaces arginine 348 with threonine.
Molecular consequence: missense variant. On other transcripts: non-coding transcript variant (1).
Genome position (GRCh38, 1-based): chr9:95,916,319, G>C. VCF-style: chr9-95916319-G-C. GRCh37 (hg19) VCF-style: chr9-98678601-G-C.
Other names: c.1043G>C, p.Arg348Thr (NM_001010895.4, NM_001375291.1, NM_001375292.1 and 2 more transcripts); short protein forms R348T.
Identifiers: ClinVar variation 3845957 (VCV003845957.1).

ClinVar aggregate classification (germline): Uncertain significance (1 of 4 stars; one submission).

Conditions:
Inborn genetic diseases. Identifiers: MedGen C0950123, MeSH D030342.

Submission:

Ambry Genetics
Classification: Uncertain significance for Inborn genetic diseases. Last evaluated: 2025-02-22. Review status: criteria provided, single submitter. Criteria: Ambry Variant Classification Scheme 2023. Collection method: clinical testing. Allele origin: germline.
Comment: The p.R348T variant (also known as c.1043G>C), located in coding exon 6 of the ERCC6L2 gene, results from a G to C substitution at nucleotide position 1043. The arginine at codon 348 is replaced by threonine, an amino acid with similar properties. This amino acid position is conserved. In addition, this alteration is predicted to be deleterious by in silico analysis. Based on the available evidence, the clinical significance of this variant remains unclear.